The following is an entry in ClinVar:

ClinVar aggregate classification (germline): Uncertain significance (1 of 4 stars; one submission).

Submission:

Labcorp Genetics (formerly Invitae), Labcorp
Classification: Uncertain significance. Last evaluated: 2022-10-28. Review status: criteria provided, single submitter. Criteria: Invitae Variant Classification Sherloc (09022015). Collection method: clinical testing. Allele origin: germline.
Comment: In summary, the available evidence is currently insufficient to determine the role of this variant in disease. Therefore, it has been classified as a Variant of Uncertain Significance. Algorithms developed to predict the effect of missense changes on protein structure and function are either unavailable or do not agree on the potential impact of this missense change (SIFT: "Tolerated"; PolyPhen-2: "Probably Damaging"; Align-GVGD: "Class C0"). ClinVar contains an entry for this variant (Variation ID: 1470043). This variant has not been reported in the literature in individuals affected with PDE6C-related conditions. This variant is not present in population databases (gnomAD no frequency). This sequence change replaces serine, which is neutral and polar, with threonine, which is neutral and polar, at codon 617 of the PDE6C protein (p.Ser617Thr).

NM_006204.4(PDE6C):c.1849T>A (p.Ser617Thr)

Gene: PDE6C (phosphodiesterase 6C; plus strand). Cytogenetic location: 10q23.33.
Variant type: single nucleotide variant.
Coding change: c.1849T>A on transcript NM_006204.4 (MANE Select); coding-DNA position 1849, T replaced by A.
Protein change: p.Ser617Thr; replaces serine 617 with threonine.
Molecular consequence: missense variant.
Genome position (GRCh38, 1-based): chr10:93,645,961, T>A. VCF-style: chr10-93645961-T-A. GRCh37 (hg19) VCF-style: chr10-95405718-T-A.
Other names: short protein forms S617T.
Identifiers: ClinVar variation 1470043 (VCV001470043.6), dbSNP rs2134617416, ClinGen allele CA377620736.